The following continues an entry in ClinVar:

NM_001267550.2(TTN):c.1079G>C (p.Arg360Thr)

Gene: TTN. ClinVar aggregate classification (germline): Benign/Likely benign. Benign (17); Likely benign (5).

Submissions 20 to 28 of 28:

Biesecker Lab/Clinical Genomics Section, National Institutes of Health
Classification: Benign. Last evaluated: 2013-06-24. Review status: criteria provided, single submitter. Criteria: Ng et al. (Circ Cardiovasc Genet. 2013). Collection method: research. Allele origin: unknown. Observed: 8 variant alleles. Study: ClinSeq.
Comment: The study set was not selected for affection status in relation to any cancer. Pathogenicity categories were based on literature curation. See Pubmed ID:23861362 for details.

Medical sequencing

Laboratory for Molecular Medicine, Mass General Brigham Personalized Medicine
Classification: Benign. Last evaluated: 2012-01-24. Review status: criteria provided, single submitter. Criteria: LMM Criteria. Collection method: clinical testing. Allele origin: germline. Observed: 24 variant alleles.

Breakthrough Genomics
Classification: Likely benign. Review status: criteria provided, single submitter. Criteria: ACMG Guidelines, 2015. Collection method: not provided. Allele origin: germline. Inheritance: Autosomal recessive inheritance. Affected: yes.

Clinical Genetics DNA and cytogenetics Diagnostics Lab, Erasmus MC, Erasmus Medical Center
Classification: Benign. Review status: no assertion criteria provided. Collection method: clinical testing. Allele origin: germline. Affected: yes. Study: VKGL Data-share Consensus. Not counted in ClinVar's aggregate classification.

Clinical Genetics, Academic Medical Center
Classification: Benign. Review status: no assertion criteria provided. Collection method: clinical testing. Allele origin: germline. Affected: yes. Study: VKGL Data-share Consensus. Not counted in ClinVar's aggregate classification.

Genetic Services Laboratory, University of Chicago
Classification: Likely benign for AllHighlyPenetrant. Review status: no assertion criteria provided. Collection method: clinical testing. Allele origin: germline. Not counted in ClinVar's aggregate classification.
Comment: Likely benign based on allele frequency in 1000 Genomes Project or ESP global frequency and its presence in a patient with a rare or unrelated disease phenotype. NOT Sanger confirmed.

Genome Diagnostics Laboratory, University Medical Center Utrecht
Classification: Benign. Review status: no assertion criteria provided. Collection method: clinical testing. Allele origin: germline. Affected: yes. Study: VKGL Data-share Consensus. Not counted in ClinVar's aggregate classification.

Joint Genome Diagnostic Labs from Nijmegen and Maastricht, Radboudumc and MUMC+
Classification: Benign. Review status: no assertion criteria provided. Collection method: clinical testing. Allele origin: germline. Affected: yes. Study: VKGL Data-share Consensus. Not counted in ClinVar's aggregate classification.

Laboratory of Diagnostic Genome Analysis, Leiden University Medical Center (LUMC)
Classification: Likely benign. Review status: no assertion criteria provided. Collection method: clinical testing. Allele origin: germline. Affected: yes. Study: VKGL Data-share Consensus. Not counted in ClinVar's aggregate classification.

Literature cited by the submitters: PubMed 23861362 (cited by Athena Diagnostics).